The following is an entry in ClinVar:

ClinVar aggregate classification (germline): Uncertain significance (1 of 4 stars; one submission).

Submission:

Ambry Genetics
Classification: Uncertain significance. Last evaluated: 2026-03-18. Review status: criteria provided, single submitter. Criteria: Ambry Variant Classification Scheme 2023. Collection method: clinical testing. Allele origin: germline.
Comment: The p.H345Q variant (also known as c.1035T>G), located in coding exon 8 of the RECQL gene, results from a T to G substitution at nucleotide position 1035. The histidine at codon 345 is replaced by glutamine, an amino acid with highly similar properties. This amino acid position is conserved. In addition, this alteration is predicted to be deleterious by in silico analysis. Based on the available evidence, the clinical significance of this variant remains unclear.

NM_002907.4(RECQL):c.1035T>G (p.His345Gln)

Gene: RECQL (RecQ like helicase; minus strand). Cytogenetic location: 12p12.1.
Variant type: single nucleotide variant.
Coding change: c.1035T>G on transcript NM_002907.4 (MANE Select); coding-DNA position 1035, T replaced by G.
Protein change: p.His345Gln; replaces histidine 345 with glutamine.
Molecular consequence: missense variant.
Genome position (GRCh38, 1-based): chr12:21,475,739, A>C on the plus strand (T>G on the coding strand, the complement: RECQL is on the minus strand). VCF-style: chr12-21475739-A-C. GRCh37 (hg19) VCF-style: chr12-21628673-A-C.
Other names: c.1035T>G, p.His345Gln (NM_032941.3); short protein forms H345Q.
Identifiers: ClinVar variation 4863105 (VCV004863105.1).